The following is an entry in ClinVar:

NM_004380.3(CREBBP):c.2075_2095del (p.Pro692_Ala698del)

Gene: CREBBP (CREB binding lysine acetyltransferase; minus strand). Cytogenetic location: 16p13.3.
Variant type: Deletion.
Coding change: c.2075_2095del on transcript NM_004380.3 (MANE Select); coding-DNA positions 2075 to 2095, 21 bases deleted (CCCCTGTGATTCCACAGGCAC).
Protein change: p.Pro692_Ala698del.
Molecular consequence: inframe deletion.
Genome position (GRCh38, 1-based): chr16:3,778,029-3,778,049, GTGCCTGTGGAATCACAGGGG deleted on the plus strand (CCCCTGTGATTCCACAGGCAC on the coding strand, the reverse complement: CREBBP is on the minus strand); deleting any 21 consecutive bases within chr16:3,778,029-3,778,050 gives the same sequence; the c. name uses the placement nearest the transcript's 3' end. VCF-style (leftmost placement, unchanged base first): chr16-3778028-TGTGCCTGTGGAATCACAGGGG-T. GRCh37 (hg19) VCF-style: chr16-3828029-TGTGCCTGTGGAATCACAGGGG-T.
Other names: c.1961_1981del, p.Pro654_Ala660del (NM_001079846.1).
Identifiers: ClinVar variation 3351153 (VCV003351153.1).

ClinVar aggregate classification (germline): Uncertain significance (0 of 4 stars; one submission).

Conditions:
CREBBP-related disorder. Also called: CREBBP-related condition; CREBBP-related disorders.

Submission:

PreventionGenetics, part of Exact Sciences
Classification: Uncertain significance for CREBBP-related condition. Last evaluated: 2024-05-16. Review status: no assertion criteria provided. Collection method: clinical testing. Allele origin: germline.
Comment: The CREBBP c.2075_2095del21 variant is predicted to result in an in-frame deletion (p.Pro692_Ala698del). To our knowledge, this variant has not been reported in the literature. This variant is reported in 0.00088% of alleles in individuals of European (Non-Finnish) descent in gnomAD. Although we suspect that this variant may be pathogenic, at this time, the clinical significance of this variant is uncertain due to the absence of conclusive functional and genetic evidence.